The following is an entry in ClinVar:

NM_005228.5(EGFR):c.734A>G (p.Glu245Gly)

Gene: EGFR (epidermal growth factor receptor; plus strand). Cytogenetic location: 7p11.2.
Variant type: single nucleotide variant.
Coding change: c.734A>G on transcript NM_005228.5 (MANE Select); coding-DNA position 734, A replaced by G.
Protein change: p.Glu245Gly; replaces glutamic acid 245 with glycine.
Molecular consequence: missense variant. On other transcripts: intron variant (1).
Genome position (GRCh38, 1-based): chr7:55,152,651, A>G. VCF-style: chr7-55152651-A-G. GRCh37 (hg19) VCF-style: chr7-55220344-A-G.
Other names: c.599A>G, p.Glu200Gly (NM_001346897.2, NM_001346899.2); c.734A>G, p.Glu245Gly (NM_001346898.2, NM_201282.2, NM_201283.2 and 1 more transcripts); c.575A>G, p.Glu192Gly (NM_001346900.2); c.89-3179A>G (NM_001346941.2); short protein forms E192G, E245G, E200G.
Identifiers: ClinVar variation 939975 (VCV000939975.9), dbSNP rs1785217403, ClinGen allele CA367577543.
Genomic context (GRCh38, chr7:55,152,651, plus strand): 5'-GCAAGTCCCCCAGTGACTGCTGCCACAACCAGTGTGCTGCAGGCTGCACAGGCCCCCGGG[A>G]GAGCGACTGCCTGGTAAGATGCCCCTCCAGCAGCCTCCCTGGAGCAGGCTGGGGCTGCAC-3'
Protein context (NP_005219.2, residues 235-255): QCAAGCTGPR[Glu245Gly]SDCLVCRKFR

ClinVar aggregate classification (germline): Uncertain significance (1 of 4 stars; one submission).

Conditions:
EGFR-related lung cancer (EGFR). Identifiers: MedGen CN130014.

Submission:

Labcorp Genetics (formerly Invitae), Labcorp
Classification: Uncertain significance for EGFR-related lung cancer. Last evaluated: 2019-08-10. Review status: criteria provided, single submitter. Criteria: Invitae Variant Classification Sherloc (09022015). Collection method: clinical testing. Allele origin: germline.
Comment: This sequence change replaces glutamic acid with glycine at codon 245 of the EGFR protein (p.Glu245Gly). The glutamic acid residue is moderately conserved and there is a moderate physicochemical difference between glutamic acid and glycine. This variant is not present in population databases (ExAC no frequency). This variant has not been reported in the literature in individuals with EGFR-related conditions. Algorithms developed to predict the effect of missense changes on protein structure and function are either unavailable or do not agree on the potential impact of this missense change (SIFT: "Tolerated"; PolyPhen-2: "Probably Damaging"; Align-GVGD: "Class C0"). In summary, the available evidence is currently insufficient to determine the role of this variant in disease. Therefore, it has been classified as a Variant of Uncertain Significance.